The following is an entry in ClinVar:

NM_000069.3(CACNA1S):c.2854G>C (p.Gly952Arg)

Gene: CACNA1S (calcium voltage-gated channel subunit alpha1 S; minus strand). Cytogenetic location: 1q32.1.
Variant type: single nucleotide variant.
Coding change: c.2854G>C on transcript NM_000069.3 (MANE Select); coding-DNA position 2854, G replaced by C.
Protein change: p.Gly952Arg; replaces glycine 952 with arginine.
Molecular consequence: missense variant.
Genome position (GRCh38, 1-based): chr1:201,062,514, C>G on the plus strand (G>C on the coding strand, the complement: CACNA1S is on the minus strand). VCF-style: chr1-201062514-C-G. GRCh37 (hg19) VCF-style: chr1-201031642-C-G.
Other names: short protein forms G952R.
Identifiers: ClinVar variation 4603723 (VCV004603723.1).

ClinVar aggregate classification (germline): Uncertain significance (1 of 4 stars; one submission).

Conditions:
Inborn genetic diseases. Identifiers: MedGen C0950123, MeSH D030342.

gnomAD v4.1: 2 of 1,613,834 alleles (0.00012%); highest among the groups gnomAD compares: Admixed American, 0.0017%; no homozygotes.

Submission:

Ambry Genetics
Classification: Uncertain significance for Inborn genetic diseases. Last evaluated: 2025-12-09. Review status: criteria provided, single submitter. Criteria: Ambry Variant Classification Scheme 2023. Collection method: clinical testing. Allele origin: germline.
Comment: The c.2854G>C (p.G952R) alteration is located in exon 23 (coding exon 23) of the CACNA1S gene. This alteration results from a G to C substitution at nucleotide position 2854, causing the glycine (G) at amino acid position 952 to be replaced by an arginine (R). Based on data from gnomAD, the C allele has an overall frequency of <0.001% (1/251168) total alleles studied. The highest observed frequency was 0.003% (1/34584) of Latino alleles. Based on insufficient or conflicting evidence, the clinical significance of this alteration remains unclear.